The following is an entry in ClinVar:

NM_000702.4(ATP1A2):c.1483G>A (p.Asp495Asn)

Gene: ATP1A2 (ATPase Na+/K+ transporting subunit alpha 2; plus strand). Cytogenetic location: 1q23.2.
Variant type: single nucleotide variant.
Coding change: c.1483G>A on transcript NM_000702.4 (MANE Select); coding-DNA position 1483, G replaced by A.
Protein change: p.Asp495Asn; replaces aspartic acid 495 with asparagine.
Molecular consequence: missense variant.
Genome position (GRCh38, 1-based): chr1:160,130,123, G>A. VCF-style: chr1-160130123-G-A. GRCh37 (hg19) VCF-style: chr1-160099913-G-A.
Other names: short protein forms D495N.
Identifiers: ClinVar variation 2869560 (VCV002869560.3), dbSNP rs1336988969, ClinGen allele CA343242875.

ClinVar aggregate classification (germline): Uncertain significance (1 of 4 stars; one submission).

Conditions:
Familial hemiplegic migraine. Identifiers: MedGen C0338484, MONDO:0000700.

Allele frequency attached by ClinVar (database versions not stated): gnomAD exomes below 0.00001; TOPMed below 0.00001.
gnomAD v4.1: 2 of 1,614,230 alleles (0.00012%); highest among the groups gnomAD compares: Admixed American, 0.0017%; no homozygotes.

Submission:

Labcorp Genetics (formerly Invitae), Labcorp
Classification: Uncertain significance for Familial hemiplegic migraine. Last evaluated: 2023-05-23. Review status: criteria provided, single submitter. Criteria: Invitae Variant Classification Sherloc (09022015). Collection method: clinical testing. Allele origin: germline.
Comment: In summary, the available evidence is currently insufficient to determine the role of this variant in disease. Therefore, it has been classified as a Variant of Uncertain Significance. Advanced modeling of protein sequence and biophysical properties (such as structural, functional, and spatial information, amino acid conservation, physicochemical variation, residue mobility, and thermodynamic stability) performed at Invitae indicates that this missense variant is not expected to disrupt ATP1A2 protein function. This variant has not been reported in the literature in individuals affected with ATP1A2-related conditions. This variant is present in population databases (no rsID available, gnomAD 0.003%). This sequence change replaces aspartic acid, which is acidic and polar, with asparagine, which is neutral and polar, at codon 495 of the ATP1A2 protein (p.Asp495Asn).